The following is an entry in ClinVar:

NM_017849.4(TMEM127):c.326C>T (p.Ser109Phe)

Gene: TMEM127 (transmembrane protein 127; minus strand). Cytogenetic location: 2q11.2.
Variant type: single nucleotide variant.
Coding change: c.326C>T on transcript NM_017849.4 (MANE Select); coding-DNA position 326, C replaced by T.
Protein change: p.Ser109Phe; replaces serine 109 with phenylalanine.
Molecular consequence: missense variant.
Genome position (GRCh38, 1-based): chr2:96,254,916, G>A on the plus strand (C>T on the coding strand, the complement: TMEM127 is on the minus strand). VCF-style: chr2-96254916-G-A. GRCh37 (hg19) VCF-style: chr2-96920654-G-A.
Other names: c.326C>T, p.Ser109Phe (NM_001193304.3); short protein forms S109F.
Identifiers: ClinVar variation 957387 (VCV000957387.10), dbSNP rs1684172006, ClinGen allele CA347653441.

ClinVar aggregate classification (germline): Uncertain significance. Review status: criteria provided, multiple submitters, no conflicts (2 of 4 stars). 2 submissions from 2 submitters: Uncertain significance (2). Last evaluated 2025-08-29.

Conditions:
Hereditary pheochromocytoma and paraganglioma. Also called: Hereditary pheochromocytoma-paraganglioma; Hereditary Paraganglioma-Pheochromocytoma Syndromes; Hereditary paragangliomas and pheochromocytomas. Identifiers: Orphanet 29072, MedGen C4274332, MONDO:0017366.
Hereditary cancer-predisposing syndrome. Also called: Hereditary neoplastic syndrome; Hereditary Cancer Syndrome; Tumor predisposition; Neoplastic Syndromes, Hereditary. Identifiers: Orphanet 140162, MedGen C0027672, MeSH D009386, MONDO:0015356.

Submissions (2):

Ambry Genetics
Classification: Uncertain significance for Hereditary cancer-predisposing syndrome. Last evaluated: 2025-08-29. Review status: criteria provided, single submitter. Criteria: Ambry Variant Classification Scheme 2023. Collection method: clinical testing. Allele origin: germline.

Labcorp Genetics (formerly Invitae), Labcorp
Classification: Uncertain significance for Hereditary pheochromocytoma and paraganglioma. Last evaluated: 2020-02-17. Review status: criteria provided, single submitter. Criteria: Invitae Variant Classification Sherloc (09022015). Collection method: clinical testing. Allele origin: germline.
Comment: This sequence change replaces serine with phenylalanine at codon 109 of the TMEM127 protein (p.Ser109Phe). The serine residue is moderately conserved and there is a large physicochemical difference between serine and phenylalanine. This variant is not present in population databases (ExAC no frequency). This variant has not been reported in the literature in individuals with TMEM127-related conditions. Algorithms developed to predict the effect of missense changes on protein structure and function are either unavailable or do not agree on the potential impact of this missense change (SIFT: "Deleterious"; PolyPhen-2: "Benign"; Align-GVGD: "Class C25"). In summary, the available evidence is currently insufficient to determine the role of this variant in disease. Therefore, it has been classified as a Variant of Uncertain Significance.